The following is an entry in ClinVar:

ClinVar aggregate classification (germline): Uncertain significance (1 of 4 stars; one submission).

Conditions:
Brugada syndrome. Also called: Sudden Unexplained Death Syndrome; Sudden Unexplained Nocturnal Death Syndrome (SUNDS); Sudden unexpected nocturnal death syndrome; Sudden unexplained nocturnal death syndrome. Identifiers: Orphanet 130, MedGen C1142166, MONDO:0015263.

Submission:

Labcorp Genetics (formerly Invitae), Labcorp
Classification: Uncertain significance for Brugada syndrome. Last evaluated: 2018-10-04. Review status: criteria provided, single submitter. Criteria: Invitae Variant Classification Sherloc (09022015). Collection method: clinical testing. Allele origin: germline.
Comment: Algorithms developed to predict the effect of missense changes on protein structure and function do not agree on the potential impact of this missense change (SIFT: "Tolerated"; PolyPhen-2: "Probably Damaging"; Align-GVGD: "Class C0"). This variant is not present in population databases (ExAC no frequency) and has not been reported in the literature in individuals with a CACNA2D1-related disease. This sequence change replaces proline with alanine at codon 537 of the CACNA2D1 protein (p.Pro537Ala). The proline residue is highly conserved and there is a small physicochemical difference between proline and alanine. In summary, this variant is a novel missense change with uncertain impact on protein function. It has been classified as a Variant of Uncertain Significance.

NM_000722.4(CACNA2D1):c.1609C>G (p.Pro537Ala)

Gene: CACNA2D1 (calcium voltage-gated channel auxiliary subunit alpha2delta 1; minus strand). Cytogenetic location: 7q21.11.
Variant type: single nucleotide variant.
Coding change: c.1609C>G on transcript NM_000722.4 (MANE Select); coding-DNA position 1609, C replaced by G.
Protein change: p.Pro537Ala; replaces proline 537 with alanine.
Molecular consequence: missense variant.
Genome position (GRCh38, 1-based): chr7:81,997,232, G>C on the plus strand (C>G on the coding strand, the complement: CACNA2D1 is on the minus strand). VCF-style: chr7-81997232-G-C. GRCh37 (hg19) VCF-style: chr7-81626548-G-C.
Other names: c.1666C>G, p.Pro556Ala (NM_001366867.1); short protein forms P537A, P556A.
Identifiers: ClinVar variation 463220 (VCV000463220.9), dbSNP rs1554345090, ClinGen allele CA367876967.